The following is an entry in ClinVar:

ClinVar aggregate classification (germline): Conflicting classifications of pathogenicity. Review status: criteria provided, conflicting classifications (1 of 4 stars). 3 submissions from 3 submitters: Uncertain significance (1); Benign (1); Likely benign (1). Last evaluated 2023-07-01.

Allele frequency attached by ClinVar (database versions not stated): 1000 Genomes Project 30x 0.00297; 1000 Genomes Project 0.00379; TOPMed 0.00563; ExAC 0.00610; gnomAD 0.00611 and 0.00625; gnomAD exomes 0.00630 and 0.00789; ESP Exome Variant Server 0.00646.
gnomAD v4.1: 12,392 of 1,614,062 alleles (0.77%); highest among the groups gnomAD compares: Non-Finnish European, 0.88%; 63 homozygotes.

Submissions (3):

CeGaT Center for Human Genetics Tuebingen
Classification: Likely benign. Last evaluated: 2023-07-01. Review status: criteria provided, single submitter. Criteria: CeGaT Center For Human Genetics Tuebingen Variant Classification Criteria Version 2. Collection method: clinical testing. Allele origin: germline. Affected: yes. Observed: 1 variant allele.
Comment: OTUD4: BP4, BP7, BS2

Labcorp Genetics (formerly Invitae), Labcorp
Classification: Benign. Last evaluated: 2018-07-26. Review status: criteria provided, single submitter. Criteria: Invitae Variant Classification Sherloc (09022015). Collection method: clinical testing. Allele origin: germline.

Genetic Services Laboratory, University of Chicago
Classification: Uncertain significance. Last evaluated: 2014-06-27. Review status: criteria provided, single submitter. Criteria: ACMG Guidelines, 2015. Collection method: clinical testing. Allele origin: germline.

NM_001366057.1(OTUD4):c.3003T>A (p.Ala1001=)

Gene: OTUD4 (OTU deubiquitinase 4; minus strand). Cytogenetic location: 4q31.21.
Variant type: single nucleotide variant.
Coding change: c.3003T>A on transcript NM_001366057.1 (MANE Select); coding-DNA position 3003, T replaced by A.
Protein change: p.Ala1001=; no amino-acid change (alanine 1001 retained).
Molecular consequence: synonymous variant.
Genome position (GRCh38, 1-based): chr4:145,137,772, A>T on the plus strand (T>A on the coding strand, the complement: OTUD4 is on the minus strand). VCF-style: chr4-145137772-A-T. GRCh37 (hg19) VCF-style: chr4-146058924-A-T.
Other names: c.2808T>A, p.Ala936= (NM_001102653.1).
Identifiers: ClinVar variation 211809 (VCV000211809.33), dbSNP rs147253069, ClinGen allele CA207275.